The following is an entry in ClinVar:

NM_001164508.2(NEB):c.11516A>G (p.Tyr3839Cys)

Gene: NEB (nebulin; minus strand). Cytogenetic location: 2q23.3.
Variant type: single nucleotide variant.
Coding change: c.11516A>G on transcript NM_001164508.2 (MANE Select); coding-DNA position 11516, A replaced by G.
Protein change: p.Tyr3839Cys; replaces tyrosine 3839 with cysteine.
Molecular consequence: missense variant.
Genome position (GRCh38, 1-based): chr2:151,614,361, T>C on the plus strand (A>G on the coding strand, the complement: NEB is on the minus strand). VCF-style: chr2-151614361-T-C. GRCh37 (hg19) VCF-style: chr2-152470875-T-C.
Other names: c.11516A>G, p.Tyr3839Cys (NM_001164507.2, NM_001271208.2); c.10787A>G, p.Tyr3596Cys (NM_004543.5); short protein forms Y3596C, Y3839C.
Identifiers: ClinVar variation 1930260 (VCV001930260.2), dbSNP rs2552230040, ClinGen allele CA348781412.
Genomic context (GRCh38, chr2:151,614,361, plus strand): 5'-CGAGCCTGAATGACGTCATTCTGATCAGGCAGGCAGGTCCATTCATGCAGGGGATGCTTG[T>C]AGTCTATGTCGCTTACAAGGATCTGACACTTCTTGGCCAGCACCACCCCCAGCATGTCCA-3'
Protein context (NP_001157980.2, residues 3829-3849): KCQILVSDID[Tyr3839Cys]KHPLHEWTCL

ClinVar aggregate classification (germline): Uncertain significance (1 of 4 stars; one submission).

Conditions:
Nemaline myopathy 2 (NEM2). Also called: Nemaline myopathy 2, autosomal recessive. Identifiers: MedGen C1850569, MONDO:0009725, OMIM 256030.

Allele frequency attached by ClinVar (database versions not stated): gnomAD exomes below 0.00001.
gnomAD v4.1: 2 of 1,613,950 alleles (0.00012%); highest among the groups gnomAD compares: Non-Finnish European, 0.00017%; no homozygotes.

Submission:

Labcorp Genetics (formerly Invitae), Labcorp
Classification: Uncertain significance for Nemaline myopathy 2. Last evaluated: 2021-03-22. Review status: criteria provided, single submitter. Criteria: Invitae Variant Classification Sherloc (09022015). Collection method: clinical testing. Allele origin: germline.
Comment: This sequence change replaces tyrosine with cysteine at codon 3839 of the NEB protein (p.Tyr3839Cys). The tyrosine residue is moderately conserved and there is a large physicochemical difference between tyrosine and cysteine. This variant is not present in population databases (ExAC no frequency). This variant has not been reported in the literature in individuals with NEB-related conditions. Algorithms developed to predict the effect of missense changes on protein structure and function are either unavailable or do not agree on the potential impact of this missense change (SIFT: "Deleterious"; PolyPhen-2: "Not Available"; Align-GVGD: "Class C0"). In summary, the available evidence is currently insufficient to determine the role of this variant in disease. Therefore, it has been classified as a Variant of Uncertain Significance.